The following is an entry in ClinVar:

ClinVar aggregate classification (germline): Uncertain significance (1 of 4 stars; one submission).

Submission:

Labcorp Genetics (formerly Invitae), Labcorp
Classification: Uncertain significance. Last evaluated: 2025-04-02. Review status: criteria provided, single submitter. Criteria: Invitae Variant Classification Sherloc (09022015). Collection method: clinical testing. Allele origin: germline.
Comment: This sequence change replaces leucine, which is neutral and non-polar, with phenylalanine, which is neutral and non-polar, at codon 284 of the OR2W3 protein (p.Leu284Phe). This variant is present in population databases (rs767438849, gnomAD 0.003%). This variant has not been reported in the literature in individuals affected with OR2W3-related conditions. An algorithm developed to predict the effect of missense changes on protein structure and function (PolyPhen-2) suggests that this variant is likely to be disruptive. In summary, the available evidence is currently insufficient to determine the role of this variant in disease. Therefore, it has been classified as a Variant of Uncertain Significance.

NM_001001957.2(OR2W3):c.850C>T (p.Leu284Phe)

Gene: OR2W3 (olfactory receptor family 2 subfamily W member 3; plus strand). Cytogenetic location: 1q44.
Variant type: single nucleotide variant.
Coding change: c.850C>T on transcript NM_001001957.2 (MANE Select); coding-DNA position 850, C replaced by T.
Protein change: p.Leu284Phe; replaces leucine 284 with phenylalanine.
Molecular consequence: missense variant.
Genome position (GRCh38, 1-based): chr1:247,896,436, C>T. VCF-style: chr1-247896436-C-T. GRCh37 (hg19) VCF-style: chr1-248059738-C-T.
Other names: short protein forms L284F.
Identifiers: ClinVar variation 4797931 (VCV004797931.1).